The following is an entry in ClinVar:

NM_000500.9(CYP21A2):c.1288C>T (p.Leu430=)

Genes: CYP21A2 (cytochrome P450 family 21 subfamily A member 2; plus strand), LOC106780800 (CYP21A2 recombination region; plus strand). Cytogenetic location: 6p21.33.
Variant type: single nucleotide variant.
Coding change: c.1288C>T on transcript NM_000500.9 (MANE Select); coding-DNA position 1288, C replaced by T.
Protein change: p.Leu430=; no amino-acid change (leucine 430 retained).
Molecular consequence: synonymous variant.
Genome position (GRCh38, 1-based): chr6:32,040,934, C>T. VCF-style: chr6-32040934-C-T. GRCh37 (hg19) VCF-style: chr6-32008711-C-T.
Other names: c.1288C>T (NM_000500.7); c.1198C>T, p.Leu400= (NM_001128590.4); c.883C>T, p.Leu295= (NM_001368143.2, NM_001368144.2).
Identifiers: ClinVar variation 3239163 (VCV003239163.21), dbSNP rs534643427.
Genomic context (GRCh38, chr6:32,040,934, plus strand): 5'-TTCCTGGAGCCAGGCAAGAACTCCAGAGCTCTGGCCTTCGGCTGCGGTGCCCGCGTGTGC[C>T]TGGGCGAGCCGCTGGCGCGCCTGGAGCTCTTCGTGGTGCTGACCCGACTGCTGCAGGCCT-3'
Protein context (NP_000491.4, residues 420-440): LAFGCGARVC[Leu430=]GEPLARLELF

ClinVar aggregate classification (germline): Likely benign. Review status: criteria provided, multiple submitters, no conflicts (2 of 4 stars). 3 submissions from 3 submitters: Likely benign (3). Last evaluated 2024-10-09.

Allele frequency attached by ClinVar (database versions not stated): ExAC 0.00061; 1000 Genomes Project 0.00300; 1000 Genomes Project 30x 0.00468.

Submissions (3):

Athena Diagnostics
Classification: Likely benign. Last evaluated: 2024-10-09. Review status: criteria provided, single submitter. Criteria: Athena Diagnostics Criteria. Collection method: clinical testing. Allele origin: unknown.

Blueprint Genetics
Classification: Likely benign. Last evaluated: 2024-08-21. Review status: criteria provided, single submitter. Criteria: ACMG Guidelines, 2015. Collection method: clinical testing. Allele origin: germline.

CeGaT Center for Human Genetics Tuebingen
Classification: Likely benign. Last evaluated: 2024-05-01. Review status: criteria provided, single submitter. Criteria: CeGaT Center For Human Genetics Tuebingen Variant Classification Criteria Version 2. Collection method: clinical testing. Allele origin: germline. Affected: yes. Observed: 1 variant allele.
Comment: CYP21A2: BP4, BP7, BS1

Literature cited by the submitters: PubMed 29035424 (cited by Athena Diagnostics).